The following is an entry in ClinVar:

ClinVar aggregate classification (germline): Uncertain significance (1 of 4 stars; one submission).

Allele frequency attached by ClinVar (database versions not stated): gnomAD exomes 0.00003 and 0.00005; TOPMed 0.00003; gnomAD 0.00004; ExAC 0.00005; ESP Exome Variant Server 0.00017.
gnomAD v4.1: 55 of 1,537,630 alleles (0.0036%); highest among the groups gnomAD compares: Non-Finnish European, 0.0041%; no homozygotes.

Submission:

Labcorp Genetics (formerly Invitae), Labcorp
Classification: Uncertain significance. Last evaluated: 2022-08-06. Review status: criteria provided, single submitter. Criteria: Invitae Variant Classification Sherloc (09022015). Collection method: clinical testing. Allele origin: germline.
Comment: This sequence change replaces arginine, which is basic and polar, with glutamine, which is neutral and polar, at codon 1175 of the MPDZ protein (p.Arg1175Gln). This variant is present in population databases (rs201833535, gnomAD 0.009%). This variant has not been reported in the literature in individuals affected with MPDZ-related conditions. ClinVar contains an entry for this variant (Variation ID: 1396268). Algorithms developed to predict the effect of missense changes on protein structure and function (SIFT, PolyPhen-2, Align-GVGD) all suggest that this variant is likely to be disruptive. In summary, the available evidence is currently insufficient to determine the role of this variant in disease. Therefore, it has been classified as a Variant of Uncertain Significance.

NM_001378778.1(MPDZ):c.3524G>A (p.Arg1175Gln)

Gene: MPDZ (multiple PDZ domain crumbs cell polarity complex component; minus strand). Cytogenetic location: 9p23.
Variant type: single nucleotide variant.
Coding change: c.3524G>A on transcript NM_001378778.1 (MANE Select); coding-DNA position 3524, G replaced by A.
Protein change: p.Arg1175Gln; replaces arginine 1175 with glutamine.
Molecular consequence: missense variant.
Genome position (GRCh38, 1-based): chr9:13,150,617, C>T on the plus strand (G>A on the coding strand, the complement: MPDZ is on the minus strand). VCF-style: chr9-13150617-C-T. GRCh37 (hg19) VCF-style: chr9-13150616-C-T.
Other names: c.3524G>A, p.Arg1175Gln (NM_001261406.2, NM_001261407.2, NM_001330637.2 and 13 more transcripts); c.3326G>A, p.Arg1109Gln (NM_001375427.1); short protein forms R1175Q, R1109Q.
Identifiers: ClinVar variation 1396268 (VCV001396268.3), dbSNP rs201833535, ClinGen allele CA4987084.